The following is an entry in ClinVar:

ClinVar aggregate classification (germline): Uncertain significance (1 of 4 stars; one submission).

Conditions:
Cardiovascular phenotype. Identifiers: MedGen CN230736.

Submission:

Ambry Genetics
Classification: Uncertain significance for Cardiovascular phenotype. Last evaluated: 2026-03-23. Review status: criteria provided, single submitter. Criteria: Ambry Variant Classification Scheme 2023. Collection method: clinical testing. Allele origin: germline.
Comment: The p.E2025V variant (also known as c.6074A>T), located in coding exon 2 of the ZNF469 gene, results from an A to T substitution at nucleotide position 6074. The glutamic acid at codon 2025 is replaced by valine, an amino acid with dissimilar properties. This amino acid position is conserved. In addition, this alteration is predicted to be tolerated by in silico analysis. Based on the available evidence, the clinical significance of this variant remains unclear.

NM_001367624.2(ZNF469):c.6158A>T (p.Glu2053Val)

Gene: ZNF469 (zinc finger protein 469; plus strand). Cytogenetic location: 16q24.2.
Variant type: single nucleotide variant.
Coding change: c.6158A>T on transcript NM_001367624.2 (MANE Select); coding-DNA position 6158, A replaced by T.
Protein change: p.Glu2053Val; replaces glutamic acid 2053 with valine.
Molecular consequence: missense variant.
Genome position (GRCh38, 1-based): chr16:88,433,628, A>T. VCF-style: chr16-88433628-A-T. GRCh37 (hg19) VCF-style: chr16-88500036-A-T.
Other names: NM_001127464.1:c.6074A>T; short protein forms E2053V.
Identifiers: ClinVar variation 4866971 (VCV004866971.1).